The following is an entry in ClinVar:

ClinVar aggregate classification (germline): Uncertain significance (1 of 4 stars; one submission).

Conditions:
Hereditary cancer-predisposing syndrome. Also called: Neoplastic Syndromes, Hereditary; Tumor predisposition; Hereditary neoplastic syndrome; Hereditary Cancer Syndrome. Identifiers: Orphanet 140162, MedGen C0027672, MeSH D009386, MONDO:0015356.

Submission:

Ambry Genetics
Classification: Uncertain significance for Hereditary cancer-predisposing syndrome. Last evaluated: 2019-02-12. Review status: criteria provided, single submitter. Criteria: Ambry Variant Classification Scheme 2023. Collection method: clinical testing. Allele origin: germline.
Comment: The c.4185+4005A>G intronic alteration consists of a A to G substitution 005 nucleotides after coding exon 10 in the BRCA1 gene. Based on insufficient or conflicting evidence, the clinical significance of this alteration remains unclear.

NM_007294.4(BRCA1):c.4185+4005A>G

Gene: BRCA1 (BRCA1 DNA repair associated; minus strand). Cytogenetic location: 17q21.31.
Variant type: single nucleotide variant.
Coding change: c.4185+4005A>G on transcript NM_007294.4 (MANE Select); 4005 bases into the intron after coding-DNA position 4185, A replaced by G.
Molecular consequence: intron variant.
Genome position (GRCh38, 1-based): chr17:43,086,939, T>C on the plus strand (A>G on the coding strand, the complement: BRCA1 is on the minus strand). VCF-style: chr17-43086939-T-C. GRCh37 (hg19) VCF-style: chr17-41238956-T-C.
Other names: c.735+4005A>G (NM_001408458.1, NM_001408469.1, NM_001408453.1 and 11 more transcripts); c.3297+4005A>G (NM_001407967.1, NM_001407966.1); c.3804+4005A>G (NM_001407959.1, NM_001407963.1, NM_001407960.1); c.3918+4005A>G (NM_001407931.1, NM_001407932.1, NM_001407934.1 and 2 more transcripts); c.4041+4005A>G (NM_001407747.1, NM_001407848.1, NM_001407839.1 and 20 more transcripts); c.3801+4005A>G (NM_001407962.1); c.372+4005A>G (NM_001408512.1); c.495+4005A>G (NM_001408510.1); and 41 more.
Identifiers: ClinVar variation 3076202 (VCV003076202.1), dbSNP rs2552067975, ClinGen allele CA2825002474.